The following is an entry in ClinVar:

ClinVar aggregate classification (germline): Pathogenic (1 of 4 stars; one submission).

Conditions:
Cerebral arteriopathy, autosomal recessive, with subcortical infarcts and leukoencephalopathy 2. Also called: CARASIL syndrome; MAEDA SYNDROME; SUBCORTICAL VASCULAR ENCEPHALOPATHY, PROGRESSIVE; Cerebral autosomal recessive arteriopathy with subcortical infarcts and leukoencephalopathy; CEREBROVASCULAR DISEASE WITH THIN SKIN, ALOPECIA, AND DISC DISEASE. Identifiers: Orphanet 199354, MedGen C6022615, MONDO:0010829, OMIM 600142.

Submission:

Department of Clinical Laboratory, Peking University People's Hospital
Classification: Pathogenic for Cerebral arteriopathy, autosomal recessive, with subcortical infarcts and leukoencephalopathy 2. Last evaluated: 2018-04-18. Review status: criteria provided, single submitter. Criteria: ACMG Guidelines, 2015. Collection method: clinical testing, in vitro. Allele origin: germline. Inheritance: Autosomal recessive inheritance. Affected: yes. Observed: 1 heterozygote. Segregation with disease observed.
Comment: Cerebral autosomal recessive arterial disease with subcortical infarcts and leukoencephalopathy (CARASIL) is a rare inherited cerebral artery disease, which is characterized by ischemic, non-hypertensive, cerebral small-vessel disease with associated alopecia and spondylosis. It has been established that the high temperature requirement serine peptidase A1 (HTRA1) gene is a causative agent of CARASIL and represses signaling pathway transforming growth factor Î²1 (TGF-Î²1)/Smads. To date, 4 missense mutations and 2 nonsense mutations had been reported and they were distributed in exon3, 4 and 6 where located the HTRA1 protease domain, which might lead to the change of HTRA1 gene activity.

Literature cited by the submitters: PubMed 19387015; PubMed 26063658; PubMed 25772074; PubMed 25957642; PubMed 27164673; PubMed 25770224.

NM_002775.5(HTRA1):c.614C>G (p.Ser205Cys)

Gene: HTRA1 (HtrA serine peptidase 1; plus strand). Cytogenetic location: 10q26.13.
Variant type: single nucleotide variant.
Coding change: c.614C>G on transcript NM_002775.5 (MANE Select); coding-DNA position 614, C replaced by G.
Protein change: p.Ser205Cys; replaces serine 205 with cysteine.
Molecular consequence: missense variant.
Genome position (GRCh38, 1-based): chr10:122,489,463, C>G. VCF-style: chr10-122489463-C-G. GRCh37 (hg19) VCF-style: chr10-124248979-C-G.
Other names: short protein forms S205C.
Identifiers: ClinVar variation 560164 (VCV000560164.2), dbSNP rs1554950703, ClinGen allele CA378580899.
Genomic context (GRCh38, chr10:122,489,463, plus strand): 5'-GTACTCCTTTGGATTTTAGGCTTCCGTTTTCTAAACGAGAGGTGCCGGTGGCTAGTGGGT[C>G]TGGGTTTATTGTGTCGGAAGATGGACTGATCGTGACAAATGCCCACGTGGTGACCAACAA-3'
Protein context (NP_002766.1, residues 195-215): SKREVPVASG[Ser205Cys]GFIVSEDGLI